The following is an entry in ClinVar:

ClinVar aggregate classification (germline): Uncertain significance (1 of 4 stars; one submission).

Allele frequency attached by ClinVar (database versions not stated): ESP Exome Variant Server 0.00008.
gnomAD v4.1: 52 of 1,613,806 alleles (0.0032%); highest among the groups gnomAD compares: Non-Finnish European, 0.0039%; no homozygotes.

Submission:

GeneDx
Classification: Uncertain significance. Last evaluated: 2022-06-29. Review status: criteria provided, single submitter. Criteria: GeneDx Variant Classification Process June 2021. Collection method: clinical testing. Allele origin: germline. Affected: yes.
Comment: Not observed at significant frequency in large population cohorts (gnomAD); In silico analysis supports that this missense variant does not alter protein structure/function; Has not been previously published as pathogenic or benign to our knowledge

NM_001039141.3(TRIOBP):c.2696G>A (p.Arg899His)

Gene: TRIOBP (TRIO and F-actin binding protein; plus strand). Cytogenetic location: 22q13.1.
Variant type: single nucleotide variant.
Coding change: c.2696G>A on transcript NM_001039141.3 (MANE Select); coding-DNA position 2696, G replaced by A.
Protein change: p.Arg899His; replaces arginine 899 with histidine.
Molecular consequence: missense variant.
Genome position (GRCh38, 1-based): chr22:37,725,252, G>A. VCF-style: chr22-37725252-G-A. GRCh37 (hg19) VCF-style: chr22-38121259-G-A.
Other names: short protein forms R899H.
Identifiers: ClinVar variation 1810078 (VCV001810078.1), dbSNP rs372050770, ClinGen allele CA10223942.